The following is an entry in ClinVar:

NM_003482.4(KMT2D):c.14047C>T (p.Pro4683Ser)

Gene: KMT2D (lysine methyltransferase 2D; minus strand). Cytogenetic location: 12q13.12.
Variant type: single nucleotide variant.
Coding change: c.14047C>T on transcript NM_003482.4 (MANE Select); coding-DNA position 14047, C replaced by T.
Protein change: p.Pro4683Ser; replaces proline 4683 with serine.
Molecular consequence: missense variant.
Genome position (GRCh38, 1-based): chr12:49,029,429, G>A on the plus strand (C>T on the coding strand, the complement: KMT2D is on the minus strand). VCF-style: chr12-49029429-G-A. GRCh37 (hg19) VCF-style: chr12-49423212-G-A.
Other names: short protein forms P4683S.
Identifiers: ClinVar variation 2749990 (VCV002749990.3), dbSNP rs2498339522, ClinGen allele CA384699518.

ClinVar aggregate classification (germline): Uncertain significance (1 of 4 stars; one submission).

Conditions:
Kabuki syndrome. Also called: Kabuki make-up syndrome; NIIKAWA-KUROKI SYNDROME. Identifiers: Orphanet 2322, MedGen C0796004, MONDO:0016512.

Submission:

Labcorp Genetics (formerly Invitae), Labcorp
Classification: Uncertain significance for Kabuki syndrome. Last evaluated: 2025-09-07. Review status: criteria provided, single submitter. Criteria: Invitae Variant Classification Sherloc (09022015). Collection method: clinical testing. Allele origin: germline.
Comment: This sequence change replaces proline, which is neutral and non-polar, with serine, which is neutral and polar, at codon 4683 of the KMT2D protein (p.Pro4683Ser). This variant is not present in population databases (gnomAD no frequency). This variant has not been reported in the literature in individuals affected with KMT2D-related conditions. ClinVar contains an entry for this variant (Variation ID: 2749990). Invitae Evidence Modeling of protein sequence and biophysical properties (such as structural, functional, and spatial information, amino acid conservation, physicochemical variation, residue mobility, and thermodynamic stability) indicates that this missense variant is expected to disrupt KMT2D protein function with a positive predictive value of 95%. In summary, the available evidence is currently insufficient to determine the role of this variant in disease. Therefore, it has been classified as a Variant of Uncertain Significance.